The following is an entry in ClinVar:

NM_007294.4(BRCA1):c.594-16dup

Gene: BRCA1 (BRCA1 DNA repair associated; minus strand). Cytogenetic location: 17q21.31.
Variant type: Duplication.
Coding change: c.594-16dup on transcript NM_007294.4 (MANE Select); 16 bases into the intron before coding-DNA position 594, one base duplicated (T; older notation c.594-16dupT).
Molecular consequence: intron variant.
Genome position (GRCh38, 1-based): chr17:43,095,938, A duplicated on the plus strand (T on the coding strand, the reverse complement: BRCA1 is on the minus strand). VCF-style (leftmost placement, unchanged base first): chr17-43095937-C-CA. GRCh37 (hg19) VCF-style: chr17-41247954-C-CA.
Other names: c.594-16dupT (NM_007294.3); c.594-16_594-15insT (NM_007294.3); c.453-16dup (NM_001408458.1, NM_001408469.1, NM_001408453.1 and 43 more transcripts); c.-218-1078dup (NM_001407967.1, NM_001407966.1); c.213-16dup (NM_001407959.1, NM_001408510.1, NM_001407963.1 and 1 more transcripts); c.404-1078dup (NM_001407931.1, NM_001407932.1, NM_001408503.1 and 5 more transcripts); c.450-16dup (NM_001407747.1, NM_001408470.1, NM_001407848.1 and 26 more transcripts); c.210-16dup (NM_001407962.1); and 19 more.
Identifiers: ClinVar variation 415578 (VCV000415578.27), dbSNP rs1555593635, ClinGen allele CA16615789.
Genomic context (GRCh38, chr17:43,095,937, plus strand): 5'-CCTGGTTCCTTGAGGGGTGATTTGTAACAATTCTTGATCTCCCACACTATAGGGAAAAGA[C>CA]AGAGTCCTAATAAGAAACACTAGTTACATGTATGCAGAACTGTCAAATGACCAAGATCAA-3'

ClinVar aggregate classification (germline): Likely benign. Review status: criteria provided, multiple submitters, no conflicts (2 of 4 stars). 5 submissions from 5 submitters: Likely benign (4). 1 of the submissions does not count toward it. Last evaluated 2023-12-18.

Conditions:
Hereditary cancer-predisposing syndrome. Also called: Neoplastic Syndromes, Hereditary; Hereditary neoplastic syndrome; Hereditary Cancer Syndrome; Tumor predisposition. Identifiers: Orphanet 140162, MedGen C0027672, MeSH D009386, MONDO:0015356.
Breast-ovarian cancer, familial, susceptibility to, 1 (BROVCA1). Also called: BRCA1 Hereditary Breast and Ovarian Cancer; OVARIAN CANCER, SUSCEPTIBILITY TO. Identifiers: Orphanet 145, MedGen C2676676, MONDO:0011450, OMIM 604370. Disease mechanism: loss of function.
Hereditary breast ovarian cancer syndrome. Also called: Hereditary breast and ovarian cancer syndrome; Breast and ovarian cancer; Hereditary breast and ovarian cancer syndrome (HBOC); Hereditary breast and/or ovarian cancer syndrome; BRCA1- and BRCA2-Associated Hereditary Breast and Ovarian Cancer; Hereditary breast and ovarian cancer. Identifiers: Orphanet 145, MedGen C0677776, MeSH D061325, MONDO:0003582. Disease mechanism: loss of function.
Malignant tumor of breast. Also called: Malignant breast neoplasm; Cancer breast. Identifiers: MedGen C0006142, MONDO:0007254. Disease mechanism: loss of function.

Allele frequency attached by ClinVar (database versions not stated): gnomAD exomes below 0.00001.

Submissions (5):

All of Us Research Program, National Institutes of Health
Classification: Likely benign for Breast-ovarian cancer, familial, susceptibility to, 1. Last evaluated: 2023-12-18. Review status: criteria provided, single submitter. Criteria: ACMG Guidelines, 2015. Collection method: clinical testing. Allele origin: germline. Inheritance: Autosomal dominant inheritance. Observed: 1 variant allele, 1 heterozygote.
Comment: This study involves interpretation of variants in research participants for the purpose of population health screening. Participant phenotype was not available at the time of variant classification. Additional details can be found in publication PMID: 35346344, PMCID: PMC8962531

Labcorp Genetics (formerly Invitae), Labcorp
Classification: Likely benign for Hereditary breast ovarian cancer syndrome. Last evaluated: 2021-05-16. Review status: criteria provided, single submitter. Criteria: Invitae Variant Classification Sherloc (09022015). Collection method: clinical testing. Allele origin: germline.

Color Diagnostics, LLC DBA Color Health
Classification: Likely benign for Hereditary cancer-predisposing syndrome. Last evaluated: 2019-12-23. Review status: criteria provided, single submitter. Criteria: ACMG Guidelines, 2015. Collection method: clinical testing. Allele origin: germline.

Mendelics
Classification: Likely benign for Breast-ovarian cancer, familial, susceptibility to, 1. Last evaluated: 2019-05-28. Review status: criteria provided, single submitter. Criteria: Mendelics Assertion Criteria 2017. Collection method: clinical testing. Allele origin: unknown.

Department of Pathology and Laboratory Medicine, Sinai Health System
Classification: Likely benign for Malignant tumor of breast. Review status: no assertion criteria provided. Collection method: clinical testing. Allele origin: unknown. Affected: yes. Study: The Canadian Open Genetics Repository (COGR). Not counted in ClinVar's aggregate classification.
Comment: The c.594-16dupT variant was not identified in the literature. The variant was identified in UMD 1x as an â€šÃ„Ãºunclassified variantâ€šÃ„Ã¹. The variant was not identified in dbSNP Clinvitae database, COSMIC, â€šÃ„ÃºMismatch Repair Genes Variant Databaseâ€šÃ„Ã¹, â€šÃ„ÃºMMR Gene Unclassified Variants Databaseâ€šÃ„Ã¹, InSiGHT Colon Cancer Gene Variant Database (LOVD), Zhejiang Colon Cancer Database (LOVD), ClinVar database, or GeneInsight - COGR database. It was absent from control databases NHLBI Exome Sequencing Project (Exome Variant Server), Exome Aggregation Consortium (ExAC) Browser and 1000 Genomes. The variant occurs outside of the splicing consensus sequence and in silico or computational prediction software programs (SpliceSiteFinder, MaxEntScan, NNSPLICE, GeneSplicer, HumanSpliceFinder) do not predict a difference in splicing. In summary, based on the above information, the clinical significance of this variant cannot be determined with certainty at this time although we would lean towards a more benign role for this variant. This variant is classified as predicted benign.